The following is an entry in ClinVar:

ClinVar aggregate classification (germline): Uncertain significance. Review status: criteria provided, multiple submitters, no conflicts (2 of 4 stars). 2 submissions from 2 submitters: Uncertain significance (2). Last evaluated 2025-06-17.

Conditions:
RYR1-related disorder. Also called: RYR1-related condition; RYR1-related disorders. Identifiers: MedGen CN239331.
Malignant hyperthermia, susceptibility to, 1 (MHS1). Also called: Anesthesia related hyperthermia; Malignant hyperpyrexia; Fulminating hyperpyrexia; Pharmacogenic myopathy; RYR1-Related Malignant Hyperthermia Susceptibility; Malignant hyperthermia suceptibility 1. Identifiers: Orphanet 423, MedGen C2930980, MONDO:0007783, OMIM 145600.

gnomAD v4.1: 8 of 1,614,000 alleles (0.0005%); highest among the groups gnomAD compares: Non-Finnish European, 0.00068%; no homozygotes.

Submissions (2):

Color Diagnostics, LLC DBA Color Health
Classification: Uncertain significance for Malignant hyperthermia, susceptibility to, 1. Last evaluated: 2025-06-17. Review status: criteria provided, single submitter. Criteria: ACMG Guidelines, 2015. Collection method: clinical testing. Allele origin: germline.
Comment: This missense variant replaces isoleucine with threonine at codon 317 of the RYR1 protein. Computational prediction suggests that this variant may not impact protein structure and function. To our knowledge, functional studies have not been reported for this variant. This variant has not been reported in individuals affected with RYR1-related disorders in the literature. This variant has been identified in 1/251198 chromosomes in the general population by the Genome Aggregation Database (gnomAD). The available evidence is insufficient to determine the role of this variant in disease conclusively. Therefore, this variant is classified as a Variant of Uncertain Significance.

Labcorp Genetics (formerly Invitae), Labcorp
Classification: Uncertain significance for RYR1-related disorder. Last evaluated: 2024-07-31. Review status: criteria provided, single submitter. Criteria: Invitae Variant Classification Sherloc (09022015). Collection method: clinical testing. Allele origin: germline.
Comment: This sequence change replaces isoleucine, which is neutral and non-polar, with threonine, which is neutral and polar, at codon 317 of the RYR1 protein (p.Ile317Thr). This variant is present in population databases (no rsID available, gnomAD 0.0009%). This variant has not been reported in the literature in individuals affected with RYR1-related conditions. Advanced modeling of protein sequence and biophysical properties (such as structural, functional, and spatial information, amino acid conservation, physicochemical variation, residue mobility, and thermodynamic stability) performed at Invitae indicates that this missense variant is not expected to disrupt RYR1 protein function with a negative predictive value of 95%. In summary, the available evidence is currently insufficient to determine the role of this variant in disease. Therefore, it has been classified as a Variant of Uncertain Significance.

NM_000540.3(RYR1):c.950T>C (p.Ile317Thr)

Gene: RYR1 (ryanodine receptor 1; plus strand). Cytogenetic location: 19q13.2.
Variant type: single nucleotide variant.
Coding change: c.950T>C on transcript NM_000540.3 (MANE Select); coding-DNA position 950, T replaced by C.
Protein change: p.Ile317Thr; replaces isoleucine 317 with threonine.
Molecular consequence: missense variant.
Genome position (GRCh38, 1-based): chr19:38,448,504, T>C. VCF-style: chr19-38448504-T-C. GRCh37 (hg19) VCF-style: chr19-38939144-T-C.
Other names: c.950T>C, p.Ile317Thr (NM_001042723.2); short protein forms I317T.
Identifiers: ClinVar variation 3709322 (VCV003709322.3).
Genomic context (GRCh38, chr19:38,448,504, plus strand): 5'-GCCTGGTGGTGGTTGACGCCAGCAAGGCTCACACCAAGGCTACCTCCTTCTGCTTCCGCA[T>C]CTCCAAGGTCAGTGGGGTTTGTGGCGCCCTCCCTCACCTGAAGCCCCCAGTCCCAGCCCA-3'
Protein context (NP_000531.2, residues 307-327): HTKATSFCFR[Ile317Thr]SKEKLDVAPK